The following is an entry in ClinVar:

ClinVar aggregate classification (germline): Pathogenic. Review status: no assertion criteria provided (0 of 4 stars). 2 submissions from 2 submitters: Pathogenic (2). Last evaluated 2012-07-05.

Conditions:
GNPTG-mucolipidosis. Also called: ML III GAMMA; ML IIIC; MUCOLIPIDOSIS III, COMPLEMENTATION GROUP C; MUCOLIPIDOSIS III, IRANIAN VARIANT FORM; MUCOLIPIDOSIS III, VARIANT FORM; Mucolipidosis type III gamma. Identifiers: Orphanet 423470, Orphanet 577, MedGen C1854896, MONDO:0009652, OMIM 252605.

Submissions (2):

GeneReviews
Classification: Pathogenic for Mucolipidosis III Gamma. Last evaluated: 2012-07-05. Review status: no assertion criteria provided. Collection method: curation. Allele origin: unknown.
ClinVar note: Converted during submission from pathologic to Pathogenic.

OMIM
Classification: Pathogenic for MUCOLIPIDOSIS III GAMMA. Last evaluated: 2009-07-01. Review status: no assertion criteria provided. Collection method: literature only. Allele origin: germline.

Literature cited by the submitters: PubMed 19659762 (cited by OMIM).

NM_032520.5(GNPTG):c.610-1G>T

Gene: GNPTG (N-acetylglucosamine-1-phosphate transferase subunit gamma; plus strand). Cytogenetic location: 16p13.3.
Variant type: single nucleotide variant.
Coding change: c.610-1G>T on transcript NM_032520.5 (MANE Select); the canonical splice acceptor site of the intron before coding-DNA position 610, G replaced by T.
Molecular consequence: splice acceptor variant.
Genome position (GRCh38, 1-based): chr16:1,362,610, G>T. VCF-style: chr16-1362610-G-T. GRCh37 (hg19) VCF-style: chr16-1412611-G-T.
Other names: IVS8AS, G-T, -1.
Identifiers: ClinVar variation 21720 (VCV000021720.5), dbSNP rs193302854, ClinGen allele CA342410.
Genomic context (GRCh38, chr16:1,362,610, plus strand): 5'-GGGTGGCCCCTGGTGGGCCTGGCTGGGAGCTGGGTGCTGCCCCTGCATCCTCCACCTTCA[G>T]GGCCATGAGAAGTTGCTGAGGACACTTTTTGAGGATGCTGGCTACTTAAAGACCCCAGAA-3'